The following is an entry in ClinVar:

NM_032634.4(PIGO):c.1404A>C (p.Ala468=)

Gene: PIGO (phosphatidylinositol glycan anchor biosynthesis class O; minus strand). Cytogenetic location: 9p13.3.
Variant type: single nucleotide variant.
Coding change: c.1404A>C on transcript NM_032634.4 (MANE Select); coding-DNA position 1404, A replaced by C.
Protein change: p.Ala468=; no amino-acid change (alanine 468 retained).
Molecular consequence: synonymous variant. On other transcripts: intron variant (2).
Genome position (GRCh38, 1-based): chr9:35,092,483, T>G on the plus strand (A>C on the coding strand, the complement: PIGO is on the minus strand). VCF-style: chr9-35092483-T-G. GRCh37 (hg19) VCF-style: chr9-35092480-T-G.
Other names: p.Ala468=; c.1344+60A>C (NM_152850.4, NM_001201484.2).
Identifiers: ClinVar variation 262095 (VCV000262095.17), dbSNP rs35287398, ClinGen allele CA5040639.

ClinVar aggregate classification (germline): Benign. Review status: criteria provided, multiple submitters, no conflicts (2 of 4 stars). 7 submissions from 7 submitters: Benign (7). Last evaluated 2026-02-03.

Conditions:
Hyperphosphatasia with impaired intellectual development syndrome 2. Also called: Hyperphosphatasia with intellectual disability syndrome 2; GLYCOSYLPHOSPHATIDYLINOSITOL BIOSYNTHESIS DEFECT 6. Identifiers: Orphanet 247262, MedGen C3553637, MONDO:0013882, OMIM 614749.

Allele frequency attached by ClinVar (database versions not stated): 1000 Genomes Project 0.00919; 1000 Genomes Project 30x 0.00937; TOPMed 0.01141; ESP Exome Variant Server 0.01169; gnomAD 0.01214 and 0.01258; ExAC 0.01435; gnomAD exomes 0.01445.
gnomAD v4.1: 23,124 of 1,614,142 alleles (1.4%); highest among the groups gnomAD compares: Middle Eastern, 3.7%; 235 homozygotes.

Submissions (7):

Labcorp Genetics (formerly Invitae), Labcorp
Classification: Benign for Hyperphosphatasia with impaired intellectual development syndrome 2. Last evaluated: 2026-02-03. Review status: criteria provided, single submitter. Criteria: Invitae Variant Classification Sherloc (09022015). Collection method: clinical testing. Allele origin: germline.

Mayo Clinic Laboratories, Mayo Clinic
Classification: Benign. Last evaluated: 2018-09-06. Review status: criteria provided, single submitter. Criteria: ACMG Guidelines, 2015. Collection method: clinical testing. Allele origin: germline. Observed: 15 variant alleles.

Illumina Laboratory Services, Illumina
Classification: Benign for Hyperphosphatasia with impaired intellectual development syndrome 2. Last evaluated: 2018-01-13. Review status: criteria provided, single submitter. Criteria: ICSL Variant Classification Criteria 13 December 2019. Collection method: clinical testing. Allele origin: germline.
Comment: This variant was observed in the ICSL laboratory as part of a predisposition screen in an ostensibly healthy population. It had not been previously curated by ICSL or reported in the Human Gene Mutation Database (HGMD: prior to June 1st, 2018), and was therefore a candidate for classification through an automated scoring system. Utilizing variant allele frequency, disease prevalence and penetrance estimates, and inheritance mode, an automated score was calculated to assess if this variant is too frequent to cause the disease. Based on the score and internal cut-off values, a variant classified as benign is not then subjected to further curation. The score for this variant resulted in a classification of benign for this disease.

Athena Diagnostics
Classification: Benign. Last evaluated: 2017-06-23. Review status: criteria provided, single submitter. Criteria: Athena Diagnostics Criteria. Collection method: clinical testing. Allele origin: germline.

GeneDx
Classification: Benign. Last evaluated: 2016-01-07. Review status: criteria provided, single submitter. Criteria: GeneDx Variant Classification (06012015). Collection method: clinical testing. Allele origin: germline. Affected: yes.
Comment: This variant is considered likely benign or benign based on one or more of the following criteria: it is a conservative change, it occurs at a poorly conserved position in the protein, it is predicted to be benign by multiple in silico algorithms, and/or has population frequency not consistent with disease.

Breakthrough Genomics
Classification: Benign. Review status: criteria provided, single submitter. Criteria: ACMG Guidelines, 2015. Collection method: not provided. Allele origin: germline. Inheritance: Autosomal recessive inheritance. Affected: yes.

PreventionGenetics, part of Exact Sciences
Classification: Benign. Review status: criteria provided, single submitter. Criteria: ACMG Guidelines, 2015. Collection method: clinical testing. Allele origin: germline.